The following is an entry in ClinVar:

ClinVar aggregate classification (germline): Uncertain significance (1 of 4 stars; one submission).

Conditions:
Infantile spasms. Also called: Infantile spasm. Identifiers: MedGen C3887898, HP:0012469.

Submission:

Labcorp Genetics (formerly Invitae), Labcorp
Classification: Uncertain significance for Infantile spasms. Last evaluated: 2022-11-29. Review status: criteria provided, single submitter. Criteria: Invitae Variant Classification Sherloc (09022015). Collection method: clinical testing. Allele origin: germline.
Comment: This variant is not present in population databases (gnomAD no frequency). This sequence change replaces aspartic acid, which is acidic and polar, with tyrosine, which is neutral and polar, at codon 148 of the PIK3AP1 protein (p.Asp148Tyr). This variant has not been reported in the literature in individuals affected with PIK3AP1-related conditions. In summary, the available evidence is currently insufficient to determine the role of this variant in disease. Therefore, it has been classified as a Variant of Uncertain Significance. Algorithms developed to predict the effect of missense changes on protein structure and function are either unavailable or do not agree on the potential impact of this missense change (SIFT: "Deleterious"; PolyPhen-2: "Probably Damaging"; Align-GVGD: "Class C0").

NM_152309.3(PIK3AP1):c.442G>T (p.Asp148Tyr)

Gene: PIK3AP1 (phosphoinositide-3-kinase adaptor protein 1; minus strand). Cytogenetic location: 10q24.1.
Variant type: single nucleotide variant.
Coding change: c.442G>T on transcript NM_152309.3 (MANE Select); coding-DNA position 442, G replaced by T.
Protein change: p.Asp148Tyr; replaces aspartic acid 148 with tyrosine.
Molecular consequence: missense variant.
Genome position (GRCh38, 1-based): chr10:96,656,923, C>A on the plus strand (G>T on the coding strand, the complement: PIK3AP1 is on the minus strand). VCF-style: chr10-96656923-C-A. GRCh37 (hg19) VCF-style: chr10-98416680-C-A.
Other names: short protein forms D148Y.
Identifiers: ClinVar variation 2956257 (VCV002956257.3), dbSNP rs2493711502, ClinGen allele CA377750598.
Genomic context (GRCh38, chr10:96,656,923, plus strand): 5'-TCTGCTGCTTCGAGTAGGAAACAACCTTCTCGTCCTCAGGCTCAGTGTCAGTGACTGAGT[C>A]ACAGCCAGAATCTACAAAATAGAGGACACCGCTGAATGGGAACGGCAGGAAGGAGAACTG-3'
Protein context (NP_689522.2, residues 138-158): KKAISEDSGC[Asp148Tyr]SVTDTEPEDE